The following is an entry in ClinVar:

NM_014861.4(ATP2C2):c.2333+9G>T

Genes: ATP2C2 (ATPase secretory pathway Ca2+ transporting 2; plus strand), ATP2C2-AS1 (ATP2C2 antisense RNA 1; minus strand). Cytogenetic location: 16q24.1.
Variant type: single nucleotide variant.
Coding change: c.2333+9G>T on transcript NM_014861.4 (MANE Select); 9 bases into the intron after coding-DNA position 2333, G replaced by T.
Molecular consequence: intron variant. On other transcripts: non-coding transcript variant (1).
Genome position (GRCh38, 1-based): chr16:84,459,395, G>T. VCF-style: chr16-84459395-G-T. GRCh37 (hg19) VCF-style: chr16-84493001-G-T.
Other names: c.2333+9G>T (NM_001286527.3); c.1880+9G>T (NM_001291454.2).
Identifiers: ClinVar variation 780188 (VCV000780188.6), dbSNP rs112183850, ClinGen allele CA8208085.

ClinVar aggregate classification (germline): Benign. Review status: criteria provided, single submitter (1 of 4 stars). 2 submissions from 2 submitters: Benign (1). 1 of the submissions does not count toward it. Last evaluated 2019-12-31.

Conditions:
ATP2C2-related disorder. Also called: ATP2C2-related condition.

Allele frequency attached by ClinVar (database versions not stated): 1000 Genomes Project 0.00519; ESP Exome Variant Server 0.00556; 1000 Genomes Project 30x 0.00562; TOPMed 0.00596.
gnomAD v4.1: 1,760 of 1,612,918 alleles (0.11%); highest among the groups gnomAD compares: African/African-American, 2%; 19 homozygotes.

Submissions (2):

Labcorp Genetics (formerly Invitae), Labcorp
Classification: Benign. Last evaluated: 2019-12-31. Review status: criteria provided, single submitter. Criteria: Invitae Variant Classification Sherloc (09022015). Collection method: clinical testing. Allele origin: germline.

PreventionGenetics, part of Exact Sciences
Classification: Benign for ATP2C2-related condition. Last evaluated: 2019-11-26. Review status: no assertion criteria provided. Collection method: clinical testing. Allele origin: germline. Not counted in ClinVar's aggregate classification.
Comment: This variant is classified as benign based on ACMG/AMP sequence variant interpretation guidelines (Richards et al. 2015 PMID: 25741868, with internal and published modifications).